The following is an entry in ClinVar:

ClinVar aggregate classification (germline): Conflicting classifications of pathogenicity. Review status: criteria provided, conflicting classifications (1 of 4 stars). 2 submissions from 2 submitters: Uncertain significance (1); Likely benign (1). Last evaluated 2022-12-16.

Conditions:
Inborn genetic diseases. Identifiers: MedGen C0950123, MeSH D030342.

Allele frequency attached by ClinVar (database versions not stated): ExAC 0.00001; gnomAD exomes 0.00001; gnomAD 0.00002.
gnomAD v4.1: 15 of 1,613,280 alleles (0.00093%); highest among the groups gnomAD compares: African/African-American, 0.0013%; no homozygotes.

Submissions (2):

Ambry Genetics
Classification: Likely benign for Inborn genetic diseases. Last evaluated: 2022-12-16. Review status: criteria provided, single submitter. Criteria: Ambry Variant Classification Scheme 2023. Collection method: clinical testing. Allele origin: germline.

Labcorp Genetics (formerly Invitae), Labcorp
Classification: Uncertain significance. Last evaluated: 2022-08-01. Review status: criteria provided, single submitter. Criteria: Invitae Variant Classification Sherloc (09022015). Collection method: clinical testing. Allele origin: germline.
Comment: This sequence change replaces histidine, which is basic and polar, with tyrosine, which is neutral and polar, at codon 1714 of the DNAH9 protein (p.His1714Tyr). This variant is present in population databases (rs748821559, gnomAD 0.002%). This variant has not been reported in the literature in individuals affected with DNAH9-related conditions. Algorithms developed to predict the effect of missense changes on protein structure and function output the following: SIFT: "Tolerated"; PolyPhen-2: "Benign"; Align-GVGD: "Class C0". The tyrosine amino acid residue is found in multiple mammalian species, which suggests that this missense change does not adversely affect protein function. In summary, the available evidence is currently insufficient to determine the role of this variant in disease. Therefore, it has been classified as a Variant of Uncertain Significance.

NM_001372.4(DNAH9):c.5140C>T (p.His1714Tyr)

Gene: DNAH9 (dynein axonemal heavy chain 9; plus strand). Cytogenetic location: 17p12.
Variant type: single nucleotide variant.
Coding change: c.5140C>T on transcript NM_001372.4 (MANE Select); coding-DNA position 5140, C replaced by T.
Protein change: p.His1714Tyr; replaces histidine 1714 with tyrosine.
Molecular consequence: missense variant.
Genome position (GRCh38, 1-based): chr17:11,701,236, C>T. VCF-style: chr17-11701236-C-T. GRCh37 (hg19) VCF-style: chr17-11604553-C-T.
Other names: c.5140C>T (NM_001372.3); short protein forms H1714Y.
Identifiers: ClinVar variation 2177336 (VCV002177336.5), dbSNP rs748821559, ClinGen allele CA8395915.